The following is an entry in ClinVar:

NM_017636.4(TRPM4):c.3313G>C (p.Ala1105Pro)

Gene: TRPM4 (transient receptor potential cation channel subfamily M member 4; plus strand). Cytogenetic location: 19q13.33.
Variant type: single nucleotide variant.
Coding change: c.3313G>C on transcript NM_017636.4 (MANE Select); coding-DNA position 3313, G replaced by C.
Protein change: p.Ala1105Pro; replaces alanine 1105 with proline.
Molecular consequence: missense variant.
Genome position (GRCh38, 1-based): chr19:49,210,390, G>C. VCF-style: chr19-49210390-G-C. GRCh37 (hg19) VCF-style: chr19-49713647-G-C.
Other names: c.2878G>C, p.Ala960Pro (NM_001195227.2); c.2968G>C, p.Ala990Pro (NM_001321281.2); c.1705G>C, p.Ala569Pro (NM_001321282.2); c.2791G>C, p.Ala931Pro (NM_001321283.2); c.2251G>C, p.Ala751Pro (NM_001321285.2); short protein forms A569P, A931P, A990P, A1105P, A960P, A751P.
Identifiers: ClinVar variation 3462129 (VCV003462129.1).

ClinVar aggregate classification (germline): Uncertain significance (1 of 4 stars; one submission).

Conditions:
Cardiovascular phenotype. Identifiers: MedGen CN230736.

gnomAD v4.1: 2 of 1,613,718 alleles (0.00012%); highest among the groups gnomAD compares: Non-Finnish European, 0.00017%; no homozygotes.

Submission:

Ambry Genetics
Classification: Uncertain significance for Cardiovascular phenotype. Last evaluated: 2024-10-27. Review status: criteria provided, single submitter. Criteria: Ambry Variant Classification Scheme 2023. Collection method: clinical testing. Allele origin: germline.
Comment: The p.A1105P variant (also known as c.3313G>C), located in coding exon 21 of the TRPM4 gene, results from a G to C substitution at nucleotide position 3313. The alanine at codon 1105 is replaced by proline, an amino acid with highly similar properties. This amino acid position is conserved. In addition, this alteration is predicted to be tolerated by in silico analysis. Based on the available evidence, the clinical significance of this variant remains unclear.